The following is an entry in ClinVar:

NM_015909.4(NBAS):c.4280C>T (p.Ala1427Val)

Gene: NBAS (NBAS subunit of NRZ tethering complex; minus strand). Cytogenetic location: 2p24.3.
Variant type: single nucleotide variant.
Coding change: c.4280C>T on transcript NM_015909.4 (MANE Select); coding-DNA position 4280, C replaced by T.
Protein change: p.Ala1427Val; replaces alanine 1427 with valine.
Molecular consequence: missense variant. On other transcripts: non-coding transcript variant (1).
Genome position (GRCh38, 1-based): chr2:15,330,665, G>A on the plus strand (C>T on the coding strand, the complement: NBAS is on the minus strand). VCF-style: chr2-15330665-G-A. GRCh37 (hg19) VCF-style: chr2-15470789-G-A.
Other names: c.4280C>T (NM_015909.2); short protein forms A1427V.
Identifiers: ClinVar variation 1032708 (VCV001032708.7), dbSNP rs767605543, ClinGen allele CA1535717.

ClinVar aggregate classification (germline): Conflicting classifications of pathogenicity. Review status: criteria provided, conflicting classifications (1 of 4 stars). 3 submissions from 3 submitters: Uncertain significance (2); Likely benign (1). Last evaluated 2025-10-27.

Conditions:
Inborn genetic diseases. Identifiers: MedGen C0950123, MeSH D030342.
Infantile liver failure syndrome 2 (ILFS2). Identifiers: MedGen C3809651, MONDO:0014659, OMIM 616483.

Allele frequency attached by ClinVar (database versions not stated): ExAC 0.00002; gnomAD exomes 0.00002 and 0.00005; TOPMed 0.00002.

Submissions (3):

Labcorp Genetics (formerly Invitae), Labcorp
Classification: Likely benign. Last evaluated: 2025-10-27. Review status: criteria provided, single submitter. Criteria: Invitae Variant Classification Sherloc (09022015). Collection method: clinical testing. Allele origin: germline.

Ambry Genetics
Classification: Uncertain significance for Inborn genetic diseases. Last evaluated: 2022-12-27. Review status: criteria provided, single submitter. Criteria: Ambry Variant Classification Scheme 2023. Collection method: clinical testing. Allele origin: germline.

Baylor Genetics
Classification: Uncertain significance for Infantile liver failure syndrome 2. Last evaluated: 2018-02-27. Review status: criteria provided, single submitter. Criteria: ACMG Guidelines, 2015. Collection method: clinical testing. Allele origin: paternal. Affected: yes.
Comment: This variant was determined to be of uncertain significance according to ACMG Guidelines, 2015 [PMID:25741868].